The following is an entry in ClinVar:

NC_000004.11:g.(?_39245868)_(39259174_?)del

Gene: WDR19 (WD repeat domain 19; plus strand). Cytogenetic location: 4p14.
Variant type: Deletion.
Identifiers: ClinVar variation 1042683 (VCV001042683.3).

ClinVar aggregate classification (germline): Uncertain significance (1 of 4 stars; one submission).

Conditions:
Senior-Loken syndrome 8 (SLSN8). Identifiers: Orphanet 3156, MedGen C4225376, MONDO:0014579, OMIM 616307.
Asphyxiating thoracic dystrophy 5 (SRTD5). Also called: SHORT-RIB THORACIC DYSPLASIA 5 WITH OR WITHOUT POLYDACTYLY; SHORT-RIB THORACIC DYSPLASIA 5 WITHOUT POLYDACTYLY. Identifiers: Orphanet 474, MedGen C3280598, MONDO:0013717, OMIM 614376.

Submission:

Labcorp Genetics (formerly Invitae), Labcorp
Classification: Uncertain significance for Senior-Loken syndrome 8; Asphyxiating thoracic dystrophy 5. Last evaluated: 2023-08-10. Review status: criteria provided, single submitter. Criteria: Invitae Variant Classification Sherloc (09022015). Collection method: clinical testing. Allele origin: germline.
Comment: This variant has not been reported in the literature in individuals affected with WDR19-related conditions. Experimental studies and prediction algorithms are not available or were not evaluated, and the functional significance of this variant is currently unknown. This variant is a gross deletion of the genomic region encompassing exon(s) 22-28 of the WDR19 gene. This variant would be expected to be in-frame, preserving the integrity of the reading frame. In summary, the available evidence is currently insufficient to determine the role of this variant in disease. Therefore, it has been classified as a Variant of Uncertain Significance.